The following is an entry in ClinVar:

ClinVar aggregate classification (germline): Uncertain significance (1 of 4 stars; one submission).

Conditions:
Neuroblastoma, susceptibility to, 3. Also called: ALK-Related Neuroblastic Tumor Susceptibility. Identifiers: Orphanet 635, MedGen C2751681, MONDO:0013083, OMIM 613014.

Submission:

Labcorp Genetics (formerly Invitae), Labcorp
Classification: Uncertain significance for Neuroblastoma, susceptibility to, 3. Last evaluated: 2022-07-16. Review status: criteria provided, single submitter. Criteria: Invitae Variant Classification Sherloc (09022015). Collection method: clinical testing. Allele origin: germline.
Comment: In summary, the available evidence is currently insufficient to determine the role of this variant in disease. Therefore, it has been classified as a Variant of Uncertain Significance. Algorithms developed to predict the effect of missense changes on protein structure and function (SIFT, PolyPhen-2, Align-GVGD) all suggest that this variant is likely to be disruptive. This sequence change replaces glutamic acid, which is acidic and polar, with lysine, which is basic and polar, at codon 1158 of the ALK protein (p.Glu1158Lys). This variant is not present in population databases (gnomAD no frequency). This variant has not been reported in the literature in individuals affected with ALK-related conditions. ClinVar contains an entry for this variant (Variation ID: 961489).

NM_004304.5(ALK):c.3472G>A (p.Glu1158Lys)

Gene: ALK (ALK receptor tyrosine kinase; minus strand). Cytogenetic location: 2p23.2.
Variant type: single nucleotide variant.
Coding change: c.3472G>A on transcript NM_004304.5 (MANE Select); coding-DNA position 3472, G replaced by A.
Protein change: p.Glu1158Lys; replaces glutamic acid 1158 with lysine.
Molecular consequence: missense variant.
Genome position (GRCh38, 1-based): chr2:29,222,387, C>T on the plus strand (G>A on the coding strand, the complement: ALK is on the minus strand). VCF-style: chr2-29222387-C-T. GRCh37 (hg19) VCF-style: chr2-29445253-C-T.
Other names: c.268G>A, p.Glu90Lys (NM_001353765.2); short protein forms E1158K, E90K.
Identifiers: ClinVar variation 961489 (VCV000961489.5), dbSNP rs749951867, ClinGen allele CA346463205.